The following is an entry in ClinVar:

ClinVar aggregate classification (germline): Uncertain significance (1 of 4 stars; one submission).

Conditions:
Joubert syndrome. Also called: CEREBELLOPARENCHYMAL DISORDER IV; JOUBERT-BOLTSHAUSER SYNDROME; Familial aplasia of the vermis. Identifiers: Orphanet 475, MedGen C5979921, MONDO:0018772.
Meckel-Gruber syndrome. Also called: DYSENCEPHALIA SPLANCHNOCYSTICA; GRUBER SYNDROME; Dysencephalia splachnocystica. Identifiers: Orphanet 564, MedGen C0265215, MONDO:0018921.

Submission:

Labcorp Genetics (formerly Invitae), Labcorp
Classification: Uncertain significance for Joubert syndrome; Meckel-Gruber syndrome. Last evaluated: 2024-11-11. Review status: criteria provided, single submitter. Criteria: Invitae Variant Classification Sherloc (09022015). Collection method: clinical testing. Allele origin: germline.
Comment: This sequence change replaces isoleucine, which is neutral and non-polar, with arginine, which is basic and polar, at codon 445 of the RPGRIP1L protein (p.Ile445Arg). This variant is not present in population databases (gnomAD no frequency). This variant has not been reported in the literature in individuals affected with RPGRIP1L-related conditions. Invitae Evidence Modeling of protein sequence and biophysical properties (such as structural, functional, and spatial information, amino acid conservation, physicochemical variation, residue mobility, and thermodynamic stability) indicates that this missense variant is not expected to disrupt RPGRIP1L protein function with a negative predictive value of 80%. In summary, the available evidence is currently insufficient to determine the role of this variant in disease. Therefore, it has been classified as a Variant of Uncertain Significance.

NM_015272.5(RPGRIP1L):c.1334T>G (p.Ile445Arg)

Gene: RPGRIP1L (RPGRIP1 like; minus strand). Cytogenetic location: 16q12.2.
Variant type: single nucleotide variant.
Coding change: c.1334T>G on transcript NM_015272.5 (MANE Select); coding-DNA position 1334, T replaced by G.
Protein change: p.Ile445Arg; replaces isoleucine 445 with arginine.
Molecular consequence: missense variant.
Genome position (GRCh38, 1-based): chr16:53,658,788, A>C on the plus strand (T>G on the coding strand, the complement: RPGRIP1L is on the minus strand). VCF-style: chr16-53658788-A-C. GRCh37 (hg19) VCF-style: chr16-53692700-A-C.
Other names: c.1334T>G, p.Ile445Arg (NM_001127897.4, NM_001308334.3, NM_001330538.2); short protein forms I445R.
Identifiers: ClinVar variation 3750415 (VCV003750415.2).